The following is an entry in ClinVar:

ClinVar aggregate classification (germline): Conflicting classifications of pathogenicity. Review status: criteria provided, conflicting classifications (1 of 4 stars). 13 submissions from 12 submitters: Uncertain significance (9); Benign (1); Likely benign (1). 2 of the submissions do not count toward it. Last evaluated 2026-04-19.

Conditions:
RAD51C-related disorder. Also called: RAD51C-related disorders; RAD51C-related condition.
Breast-ovarian cancer, familial, susceptibility to, 3. Also called: RAD51C-Related Breast/Ovarian Cancer. Identifiers: Orphanet 145, MedGen C3150659, MONDO:0013253, OMIM 613399.
Fanconi anemia complementation group O. Also called: RAD51C-Related Fanconi Anemia. Identifiers: Orphanet 84, MedGen C3150653, MONDO:0013248, OMIM 613390.
Hereditary cancer-predisposing syndrome. Also called: Neoplastic Syndromes, Hereditary; Tumor predisposition; Hereditary Cancer Syndrome; Hereditary neoplastic syndrome. Identifiers: Orphanet 140162, MedGen C0027672, MeSH D009386, MONDO:0015356.

Allele frequency attached by ClinVar (database versions not stated): gnomAD 0.00006 and 0.00007; ESP Exome Variant Server 0.00008; TOPMed 0.00008.
gnomAD v4.1: 149 of 1,614,080 alleles (0.0092%); highest among the groups gnomAD compares: Non-Finnish European, 0.012%; no homozygotes.

Submissions (13):

PreventionGenetics, part of Exact Sciences
Classification: Uncertain significance for RAD51C-related condition. Last evaluated: 2026-04-19. Review status: criteria provided, single submitter. Criteria: ACMG Guidelines, 2015. Collection method: clinical testing. Allele origin: germline.
Comment: The RAD51C c.14C>T variant is predicted to result in the amino acid substitution p.Thr5Met. This variant has been reported in a patient with kidney renal clear cell carcinoma (Table S12, Lu et al. 2015. PubMed ID: 26689913), in patients with breast cancer (Breast Cancer Association Consortium et al. 2021. PubMed ID: 33471991), and in control individuals in studies of patients with ovarian cancer, biliary tract cancer, and breast cancer (Table A4, Song et al. 2015. PubMed ID: 26261251; Okawa et al. 2023. PubMed ID: 36243179; Breast Cancer Association Consortium et al. 2021. PubMed ID: 33471991). This variant is reported in 0.0062% of alleles in individuals of European (Non-Finnish) descent in gnomAD and has conflicting interpretations of pathogenicity ranging from benign to uncertain significance in the ClinVar database (Variation ID: 128203). At this time, the clinical significance of this variant is uncertain due to the absence of conclusive functional and genetic evidence.

Labcorp Genetics (formerly Invitae), Labcorp
Classification: Uncertain significance for Fanconi anemia complementation group O. Last evaluated: 2026-01-20. Review status: criteria provided, single submitter. Criteria: Invitae Variant Classification Sherloc (09022015). Collection method: clinical testing. Allele origin: germline.
Comment: This sequence change replaces threonine, which is neutral and polar, with methionine, which is neutral and non-polar, at codon 5 of the RAD51C protein (p.Thr5Met). This variant is present in population databases (rs201523760, gnomAD 0.006%). This missense change has been observed in individual(s) with kidney cancer (PMID: 26689913). ClinVar contains an entry for this variant (Variation ID: 128203). An algorithm developed to predict the effect of missense changes on protein structure and function (PolyPhen-2) suggests that this variant is likely to be tolerated. Experimental studies have shown that this missense change affects RAD51C function (PMID: 37253112). In summary, the available evidence is currently insufficient to determine the role of this variant in disease. Therefore, it has been classified as a Variant of Uncertain Significance.

GeneDx
Classification: Uncertain significance. Last evaluated: 2024-04-30. Review status: criteria provided, single submitter. Criteria: GeneDx Variant Classification Process June 2021. Collection method: clinical testing. Allele origin: germline. Affected: yes.
Comment: Observed in patients with breast cancer, in an individual with clear cell renal cancer, and in unaffected controls, and was absent among affected cases in an ovarian cancer study (PMID: 33471991, 26261251); Published functional studies suggest a neutral effect: homology-directed pair activity similar to wild type (PMID: 37253112); In silico analysis supports that this missense variant does not alter protein structure/function; This variant is associated with the following publications: (PMID: 33471991, 36315097, 26261251, 36243179, 26689913, 37253112)

Ambry Genetics
Classification: Benign for Hereditary cancer-predisposing syndrome. Last evaluated: 2024-04-18. Review status: criteria provided, single submitter. Criteria: Ambry Variant Classification Scheme 2023. Collection method: clinical testing. Allele origin: germline.

Baylor Genetics
Classification: Uncertain significance for Breast-ovarian cancer, familial, susceptibility to, 3. Last evaluated: 2024-03-27. Review status: criteria provided, single submitter. Criteria: ACMG Guidelines, 2015. Collection method: clinical testing. Allele origin: unknown.

Color Diagnostics, LLC DBA Color Health
Classification: Uncertain significance for Hereditary cancer-predisposing syndrome. Last evaluated: 2024-01-29. Review status: criteria provided, single submitter. Criteria: ACMG Guidelines, 2015. Collection method: clinical testing. Allele origin: germline.
Comment: This missense variant replaces threonine with methionine at codon 5 of the RAD51C protein. Computational prediction suggests that this variant may not impact protein structure and function. To our knowledge, functional studies have not been reported for this variant. This variant has been reported in an individual affected with renal clear cell carcinoma (PMID: 26689913) and in an unaffected individual in an ovarian cancer case-control study (PMID: 26261251). This variant has also been identified in 9/251372 chromosomes in the general population by the Genome Aggregation Database (gnomAD). The available evidence is insufficient to determine the role of this variant in disease conclusively. Therefore, this variant is classified as a Variant of Uncertain Significance.

Fulgent Genetics
Classification: Uncertain significance for Fanconi anemia complementation group O; Breast-ovarian cancer, familial, susceptibility to, 3. Last evaluated: 2024-01-24. Review status: criteria provided, single submitter. Criteria: ACMG Guidelines, 2015. Collection method: clinical testing. Allele origin: germline.

Quest Diagnostics Nichols Institute San Juan Capistrano
Classification: Uncertain significance. Last evaluated: 2023-07-12. Review status: criteria provided, single submitter. Criteria: Quest Diagnostics criteria. Collection method: clinical testing. Allele origin: unknown.
Comment: In the published literature, this variant has been reported in an individual with kidney cancer (PMID: 26689913 (2015)) as well as in unaffected individuals (PMID: 36243179 (2023), 26261251 (2015)). In a large-scale breast cancer association study, the variant was observed in individuals with breast cancer as well as in an unaffected individual (PMID: 33471991 (2021), see also LOVD). The frequency of this variant in the general population, 0.000062 (7/113702 chromosomes (Genome Aggregation Database)), is uninformative in the assessment of its pathogenicity. Analysis of this variant using bioinformatics tools for the prediction of the effect of amino acid changes on protein structure and function yielded predictions that this variant is benign. Based on the available information, we are unable to determine the clinical significance of this variant.

Myriad Genetics, Inc.
Classification: Likely benign for Breast-ovarian cancer, familial, susceptibility to, 3. Last evaluated: 2023-04-06. Review status: criteria provided, single submitter. Criteria: Myriad Autosomal Dominant, Autosomal Recessive and X-Linked Classification Criteria (2023). Collection method: clinical testing. Allele origin: unknown.
Comment: This variant is considered likely benign. This variant is strongly associated with less severe personal and family histories of cancer, typical for individuals without pathogenic variants in this gene [PMID: 25085752].

Women's Health and Genetics/Laboratory Corporation of America, LabCorp
Classification: Uncertain significance. Last evaluated: 2022-10-12. Review status: criteria provided, single submitter. Criteria: LabCorp Variant Classification Summary - May 2015. Collection method: clinical testing. Allele origin: germline.
Comment: Variant summary: RAD51C c.14C>T (p.Thr5Met) results in a non-conservative amino acid change in the encoded protein sequence. Three of five in-silico tools predict a benign effect of the variant on protein function. The variant allele was found at a frequency of 3.8e-05 in 260916 control chromosomes (gnomAD, Song_2015). This frequency is not significantly higher than expected for a pathogenic variant in RAD51C causing Hereditary Breast And Ovarian Cancer Syndrome (3.8e-05 vs 6.3e-05), allowing no conclusion about variant significance. c.14C>T has been reported in the literature in individuals affected kidney renal clear cell carcinoma (Lu_2015) and breast cancer (Dorling_2021), however, these reports do not provide unequivocal conclusions about association of the variant with Hereditary Breast And Ovarian Cancer Syndrome.The variant was also found in 3 European American women over the age of 70 with no history of cancer (carrier freq=0.0004096, FLOSSIES database), suggesting the variant may be benign. To our knowledge, no experimental evidence demonstrating an impact on protein function has been reported. Seven ClinVar submitters have assessed the variant since 2014: all classified the variant as of uncertain significance. Based on the evidence outlined above, the variant was classified as uncertain significance.

Sema4
Classification: Uncertain significance for Hereditary cancer-predisposing syndrome. Last evaluated: 2022-03-17. Review status: criteria provided, single submitter. Criteria: Sema4 Curation Guidelines. Collection method: curation. Allele origin: germline.
Comment: The RAD51C c.14C>T (p.T5M) variant has not been reported in the individuals with RAD51C-related disease, but has been reported in healthy controls (PMID: 26261251). It has been reported in a large case-control study of breast cancer in 3/60466 cases and in 1/53461 controls (PMID: 33471991). This variant was observed in 7/113702 chromosomes in the Non-Finnish European population according to the Genome Aggregation Database (PMID: 32461654). This variant has been reported in ClinVar (Variation ID: 128203). In silico tools suggest the impact of the variant on protein function is benign, though these predictions have not been confirmed by functional studies. The evidence is insufficient to meet ACMG/AMP criteria for classifying the variant as benign or pathogenic. Thus, the clinical significance of this variant is currently uncertain.

Counsyl
Classification: Uncertain significance for Fanconi anemia complementation group O. Last evaluated: 2016-08-16. Review status: no assertion criteria provided. Collection method: clinical testing. Allele origin: unknown. Not counted in ClinVar's aggregate classification.

Counsyl
Classification: Uncertain significance for Breast-ovarian cancer, familial, susceptibility to, 3. Last evaluated: 2016-08-16. Review status: no assertion criteria provided. Collection method: clinical testing. Allele origin: unknown. Not counted in ClinVar's aggregate classification.

Literature cited by the submitters: PubMed 26689913 (cited by 6 submitters); PubMed 37253112 (cited by Labcorp Genetics (formerly Invitae), Labcorp and Ambry Genetics); PubMed 26261251 (cited by 5 submitters); PubMed 36243179 (cited by Quest Diagnostics Nichols Institute San Juan Capistrano); PubMed 33471991 (cited by 3 submitters); PubMed 25085752 (cited by Myriad Genetics, Inc.).

NM_058216.3(RAD51C):c.14C>T (p.Thr5Met)

Gene: RAD51C (RAD51 paralog C; plus strand). Cytogenetic location: 17q22.
Variant type: single nucleotide variant.
Coding change: c.14C>T on transcript NM_058216.3 (MANE Select); coding-DNA position 14, C replaced by T.
Protein change: p.Thr5Met; replaces threonine 5 with methionine.
Molecular consequence: missense variant. On other transcripts: non-coding transcript variant (2).
Genome position (GRCh38, 1-based): chr17:58,692,657, C>T. VCF-style: chr17-58692657-C-T. GRCh37 (hg19) VCF-style: chr17-56770018-C-T.
Other names: p.T5M:ACG>ATG; c.14C>T, p.Thr5Met (NM_002876.4); short protein forms T5M.
Identifiers: ClinVar variation 128203 (VCV000128203.38), dbSNP rs201523760, ClinGen allele CA288621.